The following is an entry in ClinVar:

NM_001458.5(FLNC):c.6973G>A (p.Glu2325Lys)

Genes: FLNC (filamin C; plus strand), FLNC-AS1 (FLNC antisense RNA 1; minus strand). Cytogenetic location: 7q32.1.
Variant type: single nucleotide variant.
Coding change: c.6973G>A on transcript NM_001458.5 (MANE Select); coding-DNA position 6973, G replaced by A.
Protein change: p.Glu2325Lys; replaces glutamic acid 2325 with lysine.
Molecular consequence: missense variant.
Genome position (GRCh38, 1-based): chr7:128,854,658, G>A. VCF-style: chr7-128854658-G-A. GRCh37 (hg19) VCF-style: chr7-128494712-G-A.
Other names: c.6874G>A, p.Glu2292Lys (NM_001127487.2); short protein forms E2292K, E2325K.
Identifiers: ClinVar variation 4891401 (VCV004891401.1).

ClinVar aggregate classification (germline): Uncertain significance (1 of 4 stars; one submission).

Submission:

GeneDx
Classification: Uncertain significance. Last evaluated: 2026-02-25. Review status: criteria provided, single submitter. Criteria: GeneDx Variant Classification Process June 2021. Collection method: clinical testing. Allele origin: germline.
Comment: Not observed at significant frequency in large population cohorts (gnomAD); In silico analysis supports that this missense variant has a deleterious effect on protein structure/function; This variant is associated with the following publications: (PMID: 35982159, 33057194)